The following is an entry in ClinVar:

ClinVar aggregate classification (germline): Uncertain significance (1 of 4 stars; one submission).

Conditions:
Inborn genetic diseases. Identifiers: MedGen C0950123, MeSH D030342.

gnomAD v4.1: 14 of 1,612,256 alleles (0.00087%); highest among the groups gnomAD compares: African/African-American, 0.0013%; no homozygotes.

Submission:

Ambry Genetics
Classification: Uncertain significance for Inborn genetic diseases. Last evaluated: 2026-03-15. Review status: criteria provided, single submitter. Criteria: Ambry Variant Classification Scheme 2023. Collection method: clinical testing. Allele origin: germline.
Comment: The p.P650R variant (also known as c.1949C>G), located in coding exon 22 of the RTEL1 gene, results from a C to G substitution at nucleotide position 1949. The proline at codon 650 is replaced by arginine, an amino acid with dissimilar properties. This amino acid position is conserved. In addition, this alteration is predicted to be deleterious by in silico analysis. Based on the available evidence, the clinical significance of this variant remains unclear.

NM_001283009.2(RTEL1):c.1949C>G (p.Pro650Arg)

Genes: RTEL1 (regulator of telomere elongation helicase 1; plus strand), RTEL1-TNFRSF6B (RTEL1-TNFRSF6B readthrough (NMD candidate); plus strand). Cytogenetic location: 20q13.33.
Variant type: single nucleotide variant.
Coding change: c.1949C>G on transcript NM_001283009.2 (MANE Select); coding-DNA position 1949, C replaced by G.
Protein change: p.Pro650Arg; replaces proline 650 with arginine.
Molecular consequence: missense variant. On other transcripts: non-coding transcript variant (1).
Genome position (GRCh38, 1-based): chr20:63,689,572, C>G. VCF-style: chr20-63689572-C-G. GRCh37 (hg19) VCF-style: chr20-62320925-C-G.
Other names: c.1280C>G, p.Pro427Arg (NM_001283010.1); c.1949C>G, p.Pro650Arg (NM_016434.4); c.2021C>G, p.Pro674Arg (NM_032957.5); short protein forms P427R, P650R, P674R.
Identifiers: ClinVar variation 4863512 (VCV004863512.1).
Genomic context (GRCh38, chr20:63,689,572, plus strand): 5'-GGCTGGACTTCTCAGACACGAATGGCCGTGGTGTGATTGTCACGGGCCTCCCGTACCCCC[C>G]ACGCATGGACCCCCGGGTTGTCCTCAAGATGCAGTTCCTGGATGAGATGAAGGGCCAGGG-3'
Protein context (NP_001269938.1, residues 640-660): GVIVTGLPYP[Pro650Arg]RMDPRVVLKM